The following is an entry in ClinVar:

ClinVar aggregate classification (germline): Uncertain significance (1 of 4 stars; one submission).

gnomAD v4.1: 15 of 1,613,940 alleles (0.00093%); highest among the groups gnomAD compares: Non-Finnish European, 0.0012%; no homozygotes.

Submission:

Labcorp Genetics (formerly Invitae), Labcorp
Classification: Uncertain significance. Last evaluated: 2025-08-02. Review status: criteria provided, single submitter. Criteria: Invitae Variant Classification Sherloc (09022015). Collection method: clinical testing. Allele origin: germline.
Comment: This sequence change replaces arginine, which is basic and polar, with cysteine, which is neutral and slightly polar, at codon 738 of the ITPR3 protein (p.Arg738Cys). This variant is present in population databases (rs780991974, gnomAD 0.004%). This variant has not been reported in the literature in individuals affected with ITPR3-related conditions. Invitae Evidence Modeling of protein sequence and biophysical properties (such as structural, functional, and spatial information, amino acid conservation, physicochemical variation, residue mobility, and thermodynamic stability) indicates that this missense variant is not expected to disrupt ITPR3 protein function with a negative predictive value of 80%. In summary, the available evidence is currently insufficient to determine the role of this variant in disease. Therefore, it has been classified as a Variant of Uncertain Significance.

NM_002224.4(ITPR3):c.2212C>T (p.Arg738Cys)

Gene: ITPR3 (inositol 1,4,5-trisphosphate receptor type 3; plus strand). Cytogenetic location: 6p21.31.
Variant type: single nucleotide variant.
Coding change: c.2212C>T on transcript NM_002224.4 (MANE Select); coding-DNA position 2212, C replaced by T.
Protein change: p.Arg738Cys; replaces arginine 738 with cysteine.
Molecular consequence: missense variant.
Genome position (GRCh38, 1-based): chr6:33,670,347, C>T. VCF-style: chr6-33670347-C-T. GRCh37 (hg19) VCF-style: chr6-33638124-C-T.
Other names: short protein forms R738C.
Identifiers: ClinVar variation 4803683 (VCV004803683.1).